The following is an entry in ClinVar:

NM_014425.5(INVS):c.1663C>T (p.Gln555Ter)

Gene: INVS (inversin; plus strand). Cytogenetic location: 9q31.1.
Variant type: single nucleotide variant.
Coding change: c.1663C>T on transcript NM_014425.5 (MANE Select); coding-DNA position 1663, C replaced by T.
Protein change: p.Gln555Ter; replaces glutamine 555 with a stop codon.
Molecular consequence: nonsense. On other transcripts: non-coding transcript variant (1).
Genome position (GRCh38, 1-based): chr9:100,272,955, C>T. VCF-style: chr9-100272955-C-T. GRCh37 (hg19) VCF-style: chr9-103035237-C-T.
Other names: c.1375C>T, p.Gln459Ter (NM_001318381.2); c.685C>T, p.Gln229Ter (NM_001318382.2); short protein forms Q229*, Q459*, Q555*.
Identifiers: ClinVar variation 2137581 (VCV002137581.5), dbSNP rs772917131, ClinGen allele CA374238489.

ClinVar aggregate classification (germline): Pathogenic/Likely pathogenic. Review status: criteria provided, multiple submitters, no conflicts (2 of 4 stars). 2 submissions from 2 submitters: Pathogenic (1); Likely pathogenic (1). Last evaluated 2024-08-27.

Conditions:
INVS-related disorders.
Nephronophthisis. Also called: Juvenile Nephronophthisis. Identifiers: Orphanet 655, MedGen C0687120, MONDO:0019005, HP:0000090.

gnomAD v4.1: 1 of 1,614,082 alleles (0.000062%); highest among the groups gnomAD compares: Admixed American, 0.0017%; no homozygotes.

Submissions (2):

Blueprint Genetics
Classification: Likely pathogenic for INVS-related disorders. Last evaluated: 2024-08-27. Review status: criteria provided, single submitter. Criteria: ACMG Guidelines, 2015. Collection method: clinical testing. Allele origin: germline. Affected: yes. Observed: 1 variant allele.

Labcorp Genetics (formerly Invitae), Labcorp
Classification: Pathogenic for Nephronophthisis. Last evaluated: 2022-01-11. Review status: criteria provided, single submitter. Criteria: Invitae Variant Classification Sherloc (09022015). Collection method: clinical testing. Allele origin: germline.
Comment: For these reasons, this variant has been classified as Pathogenic. This variant has not been reported in the literature in individuals affected with INVS-related conditions. This variant is present in population databases (no rsID available, gnomAD no frequency). This sequence change creates a premature translational stop signal (p.Gln555*) in the INVS gene. It is expected to result in an absent or disrupted protein product. Loss-of-function variants in INVS are known to be pathogenic (PMID: 12872123).

Literature cited by the submitters: PubMed 12872123 (cited by Labcorp Genetics (formerly Invitae), Labcorp).